The following is an entry in ClinVar:

ClinVar aggregate classification (germline): Likely benign (1 of 4 stars; one submission).

gnomAD v4.1: 28 of 1,613,418 alleles (0.0017%); highest among the groups gnomAD compares: Admixed American, 0.022%; no homozygotes.

Submission:

CeGaT Center for Human Genetics Tuebingen
Classification: Likely benign. Last evaluated: 2026-08-01. Review status: criteria provided, single submitter. Criteria: CeGaT Center For Human Genetics Tuebingen Variant Classification Criteria Version 2. Collection method: clinical testing. Allele origin: germline. Affected: yes. Observed: 1 variant allele.
Comment: GEMIN4: BP4, BP7

NM_015721.3(GEMIN4):c.1389C>T (p.Asp463=)

Gene: GEMIN4 (gem nuclear organelle associated protein 4; minus strand). Cytogenetic location: 17p13.3.
Variant type: single nucleotide variant.
Coding change: c.1389C>T on transcript NM_015721.3 (MANE Select); coding-DNA position 1389, C replaced by T.
Protein change: p.Asp463=; no amino-acid change (aspartic acid 463 retained).
Molecular consequence: synonymous variant.
Genome position (GRCh38, 1-based): chr17:746,654, G>A on the plus strand (C>T on the coding strand, the complement: GEMIN4 is on the minus strand). VCF-style: chr17-746654-G-A. GRCh37 (hg19) VCF-style: chr17-649894-G-A.
Identifiers: ClinVar variation 5039381 (VCV005039381.1).
Genomic context (GRCh38, chr17:746,654, plus strand): 5'-GATCAGGTGGATCACCTGCCGGATCTGAGACTCAGGGATGGCTCTGTCAGCTGTGCTGAC[G>A]TCTATCACTGTTTCCAGCAGCCTCAACACCAAGTCTGGCTGTCGGAAGAGGGCCCTGTTA-3'
Protein context (NP_056536.2, residues 453-473): LVLRLLETVI[Asp463=]VSTADRAIPE